The following is an entry in ClinVar:

NM_001276345.2(TNNT2):c.*150C>T

Gene: TNNT2 (troponin T2, cardiac type; minus strand). Cytogenetic location: 1q32.1.
Variant type: single nucleotide variant.
Coding change: c.*150C>T on transcript NM_001276345.2 (MANE Select); 150 bases downstream of the stop codon, C replaced by T.
Molecular consequence: 3 prime UTR variant.
Genome position (GRCh38, 1-based): chr1:201,359,060, G>A on the plus strand (C>T on the coding strand, the complement: TNNT2 is on the minus strand). VCF-style: chr1-201359060-G-A. GRCh37 (hg19) VCF-style: chr1-201328188-G-A.
Other names: c.*150C>T (NM_001001430.2, NM_000364.4, NM_001001430.3 and 4 more transcripts).
Identifiers: ClinVar variation 1257435 (VCV001257435.5), dbSNP rs554553266, ClinGen allele CA35412934.

ClinVar aggregate classification (germline): Benign/Likely benign. Review status: criteria provided, multiple submitters, no conflicts (2 of 4 stars). 4 submissions from 4 submitters: Benign (3); Likely benign (1). Last evaluated 2026-08-01.

Allele frequency attached by ClinVar (database versions not stated): 1000 Genomes Project 0.00020; gnomAD 0.00028 and 0.00032; TOPMed 0.00029; 1000 Genomes Project 30x 0.00031.
gnomAD v4.1: 69 of 894,468 alleles (0.0077%); highest among the groups gnomAD compares: African/African-American, 0.11%; no homozygotes.

Submissions (4):

CeGaT Center for Human Genetics Tuebingen
Classification: Likely benign. Last evaluated: 2026-08-01. Review status: criteria provided, single submitter. Criteria: CeGaT Center For Human Genetics Tuebingen Variant Classification Criteria Version 2. Collection method: clinical testing. Allele origin: germline. Affected: yes. Observed: 1 variant allele.
Comment: TNNT2: BS1

Molecular Diagnostic Laboratory for Inherited Cardiovascular Disease, Montreal Heart Institute
Classification: Benign. Last evaluated: 2025-04-09. Review status: criteria provided, single submitter. Criteria: ACMG Guidelines, 2015. Collection method: clinical testing. Allele origin: germline. Affected: no.
Comment: BS1

GeneDx
Classification: Benign. Last evaluated: 2015-03-03. Review status: criteria provided, single submitter. Criteria: GeneDx Variant Classification Process June 2021. Collection method: clinical testing. Allele origin: germline. Affected: yes.

Breakthrough Genomics
Classification: Benign. Review status: criteria provided, single submitter. Criteria: ACMG Guidelines, 2015. Collection method: not provided. Allele origin: germline. Inheritance: Autosomal dominant inheritance. Affected: yes.